The following is an entry in ClinVar:

ClinVar aggregate classification (germline): Uncertain significance (1 of 4 stars; one submission).

Conditions:
Bloom syndrome (BLM). Also called: Bloom-Torre-Machacek syndrome. Identifiers: Orphanet 125, MedGen C0005859, MONDO:0008876, OMIM 210900.

Submission:

Labcorp Genetics (formerly Invitae), Labcorp
Classification: Uncertain significance for Bloom syndrome. Last evaluated: 2021-08-05. Review status: criteria provided, single submitter. Criteria: Invitae Variant Classification Sherloc (09022015). Collection method: clinical testing. Allele origin: germline.
Comment: This sequence change affects codon 1250 of the BLM mRNA. It is a 'silent' change, meaning that it does not change the encoded amino acid sequence of the BLM protein. It affects a nucleotide within the consensus splice site of the intron. This variant is not present in population databases (ExAC no frequency). This variant has not been reported in the literature in individuals affected with BLM-related conditions. Algorithms developed to predict the effect of sequence changes on RNA splicing suggest that this variant may disrupt the consensus splice site. In summary, the available evidence is currently insufficient to determine the role of this variant in disease. Therefore, it has been classified as a Variant of Uncertain Significance.

NM_000057.4(BLM):c.3750A>G (p.Ala1250=)

Gene: BLM (BLM RecQ like helicase; plus strand). Cytogenetic location: 15q26.1.
Variant type: single nucleotide variant.
Coding change: c.3750A>G on transcript NM_000057.4 (MANE Select); coding-DNA position 3750, A replaced by G.
Protein change: p.Ala1250=; no amino-acid change (alanine 1250 retained).
Molecular consequence: synonymous variant. On other transcripts: intron variant (1).
Genome position (GRCh38, 1-based): chr15:90,804,358, A>G. VCF-style: chr15-90804358-A-G. GRCh37 (hg19) VCF-style: chr15-91347588-A-G.
Other names: c.3750A>G, p.Ala1250= (NM_001287246.2); c.2625A>G, p.Ala875= (NM_001287248.2); c.3359-4779A>G (NM_001287247.2).
Identifiers: ClinVar variation 1466453 (VCV001466453.6), dbSNP rs2151195022, ClinGen allele CA492166248.